The following is an entry in ClinVar:

NM_025137.4(SPG11):c.2604del (p.Arg869fs)

Gene: SPG11 (SPG11 vesicle trafficking associated, spatacsin; minus strand). Cytogenetic location: 15q21.1.
Variant type: Deletion.
Coding change: c.2604del on transcript NM_025137.4 (MANE Select); coding-DNA position 2604, one base deleted (C; older notation c.2604delC).
Protein change: p.Arg869fs; shifts the reading frame from arginine 869.
Molecular consequence: frameshift variant.
Genome position (GRCh38, 1-based): chr15:44,621,775, G deleted on the plus strand (C on the coding strand, the reverse complement: SPG11 is on the minus strand); the first of 4 consecutive G bases (chr15:44,621,775-44,621,778); deleting any one gives the same sequence. VCF-style (leftmost placement, unchanged base first): chr15-44621774-TG-T. GRCh37 (hg19) VCF-style: chr15-44913972-TG-T.
Other names: c.2604del, p.Arg869fs (NM_001160227.2, NM_001411132.1); short protein forms R869fs.
Identifiers: ClinVar variation 4725358 (VCV004725358.1).

ClinVar aggregate classification (germline): Pathogenic (1 of 4 stars; one submission).

Conditions:
Hereditary spastic paraplegia 11. Also called: Spastic paraplegia, mental retardation and thin corpus callosum; SPASTIC PARAPLEGIA, AUTOSOMAL RECESSIVE, COMPLICATED, WITH THIN CORPUS CALLOSUM; SPASTIC PARAPLEGIA, AUTOSOMAL RECESSIVE, WITH MENTAL IMPAIRMENT AND THIN CORPUS CALLOSUM; Nakamura Osame syndrome; Autosomal recessive hereditary spastic paraplegia, mental impairment, and thin corpus callosum; Spastic Paraplegia 11. Identifiers: Orphanet 2822, MedGen C1858479, MONDO:0011445, OMIM 604360.

Submission:

Labcorp Genetics (formerly Invitae), Labcorp
Classification: Pathogenic for Hereditary spastic paraplegia 11. Last evaluated: 2025-08-13. Review status: criteria provided, single submitter. Criteria: Invitae Variant Classification Sherloc (09022015). Collection method: clinical testing. Allele origin: germline.
Comment: This sequence change creates a premature translational stop signal (p.Arg869Glyfs*2) in the SPG11 gene. It is expected to result in an absent or disrupted protein product. Loss-of-function variants in SPG11 are known to be pathogenic (PMID: 19105190, 20110243, 22154821, 26556829). This variant is present in population databases (no rsID available, gnomAD 0.006%). This variant has not been reported in the literature in individuals affected with SPG11-related conditions. For these reasons, this variant has been classified as Pathogenic.

Literature cited by the submitters: PubMed 19105190; PubMed 20110243; PubMed 22154821; PubMed 26556829.